The following is an entry in ClinVar:

ClinVar aggregate classification (germline): Uncertain significance (1 of 4 stars; one submission).

Submission:

Labcorp Genetics (formerly Invitae), Labcorp
Classification: Uncertain significance. Last evaluated: 2022-09-09. Review status: criteria provided, single submitter. Criteria: Invitae Variant Classification Sherloc (09022015). Collection method: clinical testing. Allele origin: germline.
Comment: In summary, the available evidence is currently insufficient to determine the role of this variant in disease. Therefore, it has been classified as a Variant of Uncertain Significance. Algorithms developed to predict the effect of missense changes on protein structure and function are either unavailable or do not agree on the potential impact of this missense change (SIFT: "Deleterious"; PolyPhen-2: "Possibly Damaging"; Align-GVGD: "Class C0"). This variant has not been reported in the literature in individuals affected with ANKRD26-related conditions. This variant is not present in population databases (gnomAD no frequency). This sequence change replaces leucine, which is neutral and non-polar, with proline, which is neutral and non-polar, at codon 1335 of the ANKRD26 protein (p.Leu1335Pro).

NM_014915.3(ANKRD26):c.4004T>C (p.Leu1335Pro)

Gene: ANKRD26 (ankyrin repeat domain 26; minus strand). Cytogenetic location: 10p12.1.
Variant type: single nucleotide variant.
Coding change: c.4004T>C on transcript NM_014915.3 (MANE Select); coding-DNA position 4004, T replaced by C.
Protein change: p.Leu1335Pro; replaces leucine 1335 with proline.
Molecular consequence: missense variant.
Genome position (GRCh38, 1-based): chr10:27,024,528, A>G on the plus strand (T>C on the coding strand, the complement: ANKRD26 is on the minus strand). VCF-style: chr10-27024528-A-G. GRCh37 (hg19) VCF-style: chr10-27313457-A-G.
Other names: c.4001T>C, p.Leu1334Pro (NM_001256053.2); short protein forms L1334P, L1335P.
Identifiers: ClinVar variation 1970113 (VCV001970113.5), dbSNP rs2538651826, ClinGen allele CA376359684.
Genomic context (GRCh38, chr10:27,024,528, plus strand): 5'-TCAACATTTTTCTTCATTTCTTGATCCAAATTACATTCCAGTGACTGTTTTAATTCCATA[A>G]GTTTCTTTAATTGTTCCTTTTCATCTTCAGACTTTGAAACAAAATATTTTCAATTACTTT-3'
Protein context (NP_055730.2, residues 1325-1345): SEDEKEQLKK[Leu1335Pro]MELKQSLECN